The following is an entry in ClinVar:

ClinVar aggregate classification (germline): Uncertain significance. Review status: criteria provided, multiple submitters, no conflicts (2 of 4 stars). 2 submissions from 2 submitters: Uncertain significance (2). Last evaluated 2025-08-10.

gnomAD v4.1: 83 of 1,614,068 alleles (0.0051%); highest among the groups gnomAD compares: African/African-American, 0.091%; no homozygotes.

Submissions (2):

Ambry Genetics
Classification: Uncertain significance. Last evaluated: 2025-08-10. Review status: criteria provided, single submitter. Criteria: Ambry Variant Classification Scheme 2023. Collection method: clinical testing. Allele origin: germline.

Labcorp Genetics (formerly Invitae), Labcorp
Classification: Uncertain significance. Last evaluated: 2025-04-30. Review status: criteria provided, single submitter. Criteria: Invitae Variant Classification Sherloc (09022015). Collection method: clinical testing. Allele origin: germline.
Comment: This sequence change replaces valine, which is neutral and non-polar, with isoleucine, which is neutral and non-polar, at codon 169 of the GPR161 protein (p.Val169Ile). This variant is present in population databases (rs144488902, gnomAD 0.08%), and has an allele count higher than expected for a pathogenic variant. This variant has not been reported in the literature in individuals affected with GPR161-related conditions. An algorithm developed to predict the effect of missense changes on protein structure and function (PolyPhen-2) suggests that this variant is likely to be tolerated. In summary, the available evidence is currently insufficient to determine the role of this variant in disease. Therefore, it has been classified as a Variant of Uncertain Significance.

NM_001375883.1(GPR161):c.445G>A (p.Val149Ile)

Gene: GPR161 (G protein-coupled receptor 161; minus strand). Cytogenetic location: 1q24.2.
Variant type: single nucleotide variant.
Coding change: c.445G>A on transcript NM_001375883.1 (MANE Select); coding-DNA position 445, G replaced by A.
Protein change: p.Val149Ile; replaces valine 149 with isoleucine.
Molecular consequence: missense variant.
Genome position (GRCh38, 1-based): chr1:168,097,162, C>T on the plus strand (G>A on the coding strand, the complement: GPR161 is on the minus strand). VCF-style: chr1-168097162-C-T. GRCh37 (hg19) VCF-style: chr1-168066400-C-T.
Other names: c.505G>A, p.Val169Ile (NM_001267609.1); c.445G>A, p.Val149Ile (NM_001267610.2, NM_001349632.1, NM_001349633.1 and 5 more transcripts); c.496G>A, p.Val166Ile (NM_001267611.1); c.49G>A, p.Val17Ile (NM_001267612.2, NM_001349635.1); c.211G>A, p.Val71Ile (NM_001267613.1); c.103G>A, p.Val35Ile (NM_001267614.1); short protein forms V166I, V17I, V35I, V71I, V169I, V149I.
Identifiers: ClinVar variation 4265908 (VCV004265908.2).